The following is an entry in ClinVar:

ClinVar aggregate classification (germline): Benign/Likely benign. Review status: criteria provided, multiple submitters, no conflicts (2 of 4 stars). 4 submissions from 4 submitters: Benign (1); Likely benign (3). Last evaluated 2026-08-05.

Conditions:
Hereditary cancer-predisposing syndrome. Also called: Neoplastic Syndromes, Hereditary; Tumor predisposition; Hereditary Cancer Syndrome; Hereditary neoplastic syndrome. Identifiers: Orphanet 140162, MedGen C0027672, MeSH D009386, MONDO:0015356.
Hereditary pheochromocytoma and paraganglioma. Also called: Hereditary paragangliomas and pheochromocytomas; Hereditary Paraganglioma-Pheochromocytoma Syndromes; Hereditary pheochromocytoma-paraganglioma. Identifiers: Orphanet 29072, MedGen C4274332, MONDO:0017366.
Pheochromocytoma/paraganglioma syndrome 2. Also called: SDHAF2-Related Hereditary Paraganglioma-Pheochromocytoma Syndrome; GLOMUS TUMORS, FAMILIAL, 2; Paragangliomas 2; SDHAF2-Related Hereditary Paraganglioma-Pheochromocytoma Syndrome (Paragangliomas 2). Identifiers: Orphanet 29072, MedGen C1866552, MONDO:0011121, OMIM 601650.

Allele frequency attached by ClinVar (database versions not stated): ExAC 0.00002; TOPMed below 0.00001; gnomAD exomes 0.00003.
gnomAD v4.1: 26 of 1,614,150 alleles (0.0016%); highest among the groups gnomAD compares: South Asian, 0.029%; 1 homozygote.

Submissions (4):

Myriad Genetics, Inc.
Classification: Benign for Pheochromocytoma/paraganglioma syndrome 2. Last evaluated: 2026-08-05. Review status: criteria provided, single submitter. Criteria: Myriad Autosomal Dominant, Autosomal Recessive and X-Linked Classification Criteria (2023). Collection method: clinical testing. Allele origin: unknown.
Comment: This variant is considered benign. This variant is a silent/synonymous amino acid change and it is not expected to impact splicing.

Color Diagnostics, LLC DBA Color Health
Classification: Likely benign for Hereditary pheochromocytoma and paraganglioma. Last evaluated: 2025-06-30. Review status: criteria provided, single submitter. Criteria: ACMG Guidelines, 2015. Collection method: clinical testing. Allele origin: germline.

Ambry Genetics
Classification: Likely benign for Hereditary cancer-predisposing syndrome. Last evaluated: 2024-10-11. Review status: criteria provided, single submitter. Criteria: Ambry Variant Classification Scheme 2023. Collection method: clinical testing. Allele origin: germline.

Labcorp Genetics (formerly Invitae), Labcorp
Classification: Likely benign for Hereditary pheochromocytoma and paraganglioma. Last evaluated: 2022-11-29. Review status: criteria provided, single submitter. Criteria: Invitae Variant Classification Sherloc (09022015). Collection method: clinical testing. Allele origin: germline.

NM_017841.4(SDHAF2):c.315T>C (p.Tyr105=)

Gene: SDHAF2 (succinate dehydrogenase complex assembly factor 2; plus strand). Cytogenetic location: 11q12.2.
Variant type: single nucleotide variant.
Coding change: c.315T>C on transcript NM_017841.4 (MANE Select); coding-DNA position 315, T replaced by C.
Protein change: p.Tyr105=; no amino-acid change (tyrosine 105 retained).
Molecular consequence: synonymous variant.
Genome position (GRCh38, 1-based): chr11:61,438,058, T>C. VCF-style: chr11-61438058-T-C. GRCh37 (hg19) VCF-style: chr11-61205530-T-C.
Other names: c.315T>C (NM_017841.2).
Identifiers: ClinVar variation 1588593 (VCV001588593.10), dbSNP rs750979204, ClinGen allele CA058420.